The following is an entry in ClinVar:

ClinVar aggregate classification (germline): Uncertain significance (1 of 4 stars; one submission).

Conditions:
Acute myeloid leukemia (AML). Also called: Acute myeloid leukemia, adult; AML adult; Acute non-lymphocytic leukemia; Acute granulocytic leukemia; Leukemia, acute myeloid, somatic; Leukemia, acute myelogenous, somatic. Identifiers: Orphanet 519, MedGen C0023467, MeSH D015470, MONDO:0018874, OMIM 601626, HP:0004808. Disease mechanism: Constitutively activated FLT3.

Submission:

Labcorp Genetics (formerly Invitae), Labcorp
Classification: Uncertain significance for Acute myeloid leukemia. Last evaluated: 2023-02-13. Review status: criteria provided, single submitter. Criteria: Invitae Variant Classification Sherloc (09022015). Collection method: clinical testing. Allele origin: germline.
Comment: Advanced modeling of protein sequence and biophysical properties (such as structural, functional, and spatial information, amino acid conservation, physicochemical variation, residue mobility, and thermodynamic stability) performed at Invitae indicates that this missense variant is not expected to disrupt CEBPA protein function. In summary, the available evidence is currently insufficient to determine the role of this variant in disease. Therefore, it has been classified as a Variant of Uncertain Significance. This variant has not been reported in the literature in individuals affected with CEBPA-related conditions. This variant is not present in population databases (gnomAD no frequency). This sequence change replaces histidine, which is basic and polar, with glutamine, which is neutral and polar, at codon 224 of the CEBPA protein (p.His224Gln).

NM_004364.5(CEBPA):c.672C>G (p.His224Gln)

Gene: CEBPA (CCAAT enhancer binding protein alpha; minus strand). Cytogenetic location: 19q13.11.
Variant type: single nucleotide variant.
Coding change: c.672C>G on transcript NM_004364.5 (MANE Select); coding-DNA position 672, C replaced by G.
Protein change: p.His224Gln; replaces histidine 224 with glutamine.
Molecular consequence: missense variant.
Genome position (GRCh38, 1-based): chr19:33,301,743, G>C on the plus strand (C>G on the coding strand, the complement: CEBPA is on the minus strand). VCF-style: chr19-33301743-G-C. GRCh37 (hg19) VCF-style: chr19-33792649-G-C.
Other names: c.315C>G, p.His105Gln (NM_001285829.2); c.777C>G, p.His259Gln (NM_001287424.2); c.630C>G, p.His210Gln (NM_001287435.2); short protein forms H259Q, H105Q, H224Q, H210Q.
Identifiers: ClinVar variation 2800985 (VCV002800985.3), dbSNP rs2513329723, ClinGen allele CA405274445.